The following is an entry in ClinVar:

NM_004082.5(DCTN1):c.3516T>G (p.Thr1172=)

Gene: DCTN1 (dynactin subunit 1; minus strand). Cytogenetic location: 2p13.1.
Variant type: single nucleotide variant.
Coding change: c.3516T>G on transcript NM_004082.5 (MANE Select); coding-DNA position 3516, T replaced by G.
Protein change: p.Thr1172=; no amino-acid change (threonine 1172 retained).
Molecular consequence: synonymous variant. On other transcripts: non-coding transcript variant (1).
Genome position (GRCh38, 1-based): chr2:74,363,007, A>C on the plus strand (T>G on the coding strand, the complement: DCTN1 is on the minus strand). VCF-style: chr2-74363007-A-C. GRCh37 (hg19) VCF-style: chr2-74590134-A-C.
Other names: c.3441T>G, p.Thr1147= (NM_001135040.3); c.3099T>G, p.Thr1033= (NM_001135041.3); c.3390T>G, p.Thr1130= (NM_001190836.2); c.3495T>G, p.Thr1165= (NM_001190837.2); c.3465T>G, p.Thr1155= (NM_001378991.1); c.3447T>G, p.Thr1149= (NM_001378992.1); c.3114T>G, p.Thr1038= (NM_023019.4).
Identifiers: ClinVar variation 2578860 (VCV002578860.27), dbSNP rs1313482897, ClinGen allele CA426812672.

ClinVar aggregate classification (germline): Likely benign. Review status: criteria provided, multiple submitters, no conflicts (2 of 4 stars). 2 submissions from 2 submitters: Likely benign (2). Last evaluated 2025-03-06.

Conditions:
Amyotrophic lateral sclerosis type 1 (ALS1). Also called: AMYOTROPHIC LATERAL SCLEROSIS 1, FAMILIAL. Identifiers: Orphanet 803, MedGen C1862939, MONDO:0007103, OMIM 105400.
Neuronopathy, distal hereditary motor, type 7B. Also called: HMN VIIB; LOWER MOTOR NEURON DISEASE, DYNACTIN TYPE; Distal Hereditary Motor Neuronopathy Type 7B (dHMN7B); NEURONOPATHY, DISTAL HEREDITARY MOTOR, AUTOSOMAL DOMINANT 14; NEURONOPATHY, DISTAL HEREDITARY MOTOR, HARDING TYPE VIIB; NEUROPATHY, DISTAL HEREDITARY MOTOR, HARDING TYPE VIIB. Identifiers: Orphanet 139589, MedGen C1843315, MONDO:0011879, OMIM 607641.
Perry syndrome. Also called: PARKINSONISM WITH ALVEOLAR HYPOVENTILATION AND MENTAL DEPRESSION. Identifiers: Orphanet 178509, MedGen C1868594, MONDO:0008201, OMIM 168605.

Allele frequency attached by ClinVar (database versions not stated): gnomAD exomes 0.00001.
gnomAD v4.1: 17 of 1,613,194 alleles (0.0011%); highest among the groups gnomAD compares: Non-Finnish European, 0.0014%; no homozygotes.

Submissions (2):

Labcorp Genetics (formerly Invitae), Labcorp
Classification: Likely benign for Amyotrophic lateral sclerosis type 1; Neuronopathy, distal hereditary motor, type 7B; Perry syndrome. Last evaluated: 2025-03-06. Review status: criteria provided, single submitter. Criteria: Invitae Variant Classification Sherloc (09022015). Collection method: clinical testing. Allele origin: germline.

CeGaT Center for Human Genetics Tuebingen
Classification: Likely benign. Last evaluated: 2023-08-01. Review status: criteria provided, single submitter. Criteria: CeGaT Center For Human Genetics Tuebingen Variant Classification Criteria Version 2. Collection method: clinical testing. Allele origin: germline. Affected: yes. Observed: 1 variant allele.
Comment: DCTN1: BP4, BP7